The following is an entry in ClinVar:

NM_001322934.2(NFKB2):c.1726G>C (p.Glu576Gln)

Gene: NFKB2 (nuclear factor kappa B subunit 2; plus strand). Cytogenetic location: 10q24.32.
Variant type: single nucleotide variant.
Coding change: c.1726G>C on transcript NM_001322934.2 (MANE Select); coding-DNA position 1726, G replaced by C.
Protein change: p.Glu576Gln; replaces glutamic acid 576 with glutamine.
Molecular consequence: missense variant.
Genome position (GRCh38, 1-based): chr10:102,400,419, G>C. VCF-style: chr10-102400419-G-C. GRCh37 (hg19) VCF-style: chr10-104160176-G-C.
Other names: c.1726G>C, p.Glu576Gln (NM_001077494.3, NM_001261403.3, NM_001288724.1 and 1 more transcripts); c.1600G>C, p.Glu534Gln (NM_001322935.1); short protein forms E576Q, E534Q.
Identifiers: ClinVar variation 1427562 (VCV001427562.8), dbSNP rs1306109565, ClinGen allele CA377902042.

ClinVar aggregate classification (germline): Uncertain significance. Review status: criteria provided, multiple submitters, no conflicts (2 of 4 stars). 2 submissions from 2 submitters: Uncertain significance (2). Last evaluated 2023-03-01.

Conditions:
Immunodeficiency, common variable, 10. Also called: IMMUNODEFICIENCY, COMMON VARIABLE, WITH CENTRAL ADRENAL INSUFFICIENCY; DEFICIT IN ANTERIOR PITUITARY FUNCTION AND VARIABLE IMMUNODEFICIENCY. Identifiers: MedGen C3809991, MONDO:0014260, OMIM 615577.

Allele frequency attached by ClinVar (database versions not stated): gnomAD exomes below 0.00001; gnomAD 0.00002 and 0.00003; TOPMed 0.00002.
gnomAD v4.1: 8 of 1,612,988 alleles (0.0005%); highest among the groups gnomAD compares: Middle Eastern, 0.017%; no homozygotes.

Submissions (2):

Women's Health and Genetics/Laboratory Corporation of America, LabCorp
Classification: Uncertain significance. Last evaluated: 2023-03-01. Review status: criteria provided, single submitter. Criteria: LabCorp Variant Classification Summary - May 2015. Collection method: clinical testing. Allele origin: germline.
Comment: Variant summary: NFKB2 c.1726G>C (p.Glu576Gln) results in a conservative amino acid change in the encoded protein sequence. Five of five in-silico tools predict a benign effect of the variant on protein function. The variant was absent in 247372 control chromosomes (gnomAD). The available data on variant occurrences in the general population are insufficient to allow any conclusion about variant significance. To our knowledge, no occurrence of c.1726G>C in individuals affected with Common Variable Immunodeficiency and no experimental evidence demonstrating its impact on protein function have been reported. One clinical diagnostic laboratory has submitted clinical-significance assessments for this variant to ClinVar after 2014 without evidence for independent evaluation. One laboratory classified the variant as uncertain significance. Based on the evidence outlined above, the variant was classified as uncertain significance.

Labcorp Genetics (formerly Invitae), Labcorp
Classification: Uncertain significance for Immunodeficiency, common variable, 10. Last evaluated: 2021-03-07. Review status: criteria provided, single submitter. Criteria: Invitae Variant Classification Sherloc (09022015). Collection method: clinical testing. Allele origin: germline.
Comment: This sequence change replaces glutamic acid with glutamine at codon 576 of the NFKB2 protein (p.Glu576Gln). The glutamic acid residue is weakly conserved and there is a small physicochemical difference between glutamic acid and glutamine. This variant is not present in population databases (ExAC no frequency). This variant has not been reported in the literature in individuals with NFKB2-related conditions. Algorithms developed to predict the effect of missense changes on protein structure and function (SIFT, PolyPhen-2, Align-GVGD) all suggest that this variant is likely to be tolerated, but these predictions have not been confirmed by published functional studies and their clinical significance is uncertain. In summary, the available evidence is currently insufficient to determine the role of this variant in disease. Therefore, it has been classified as a Variant of Uncertain Significance.